The following is an entry in ClinVar:

ClinVar aggregate classification (germline): Likely benign (1 of 4 stars; one submission).

Submission:

CeGaT Center for Human Genetics Tuebingen
Classification: Likely benign. Last evaluated: 2022-09-01. Review status: criteria provided, single submitter. Criteria: CeGaT Center For Human Genetics Tuebingen Variant Classification Criteria Version 2. Collection method: clinical testing. Allele origin: germline. Affected: yes. Observed: 1 variant allele.
Comment: LETM1: PM2:Supporting, BP4, BP7

NM_012318.3(LETM1):c.1864T>C (p.Leu622=)

Gene: LETM1 (leucine zipper and EF-hand containing transmembrane protein 1; minus strand). Cytogenetic location: 4p16.3.
Variant type: single nucleotide variant.
Coding change: c.1864T>C on transcript NM_012318.3 (MANE Select); coding-DNA position 1864, T replaced by C.
Protein change: p.Leu622=; no amino-acid change (leucine 622 retained).
Molecular consequence: synonymous variant.
Genome position (GRCh38, 1-based): chr4:1,816,794, A>G on the plus strand (T>C on the coding strand, the complement: LETM1 is on the minus strand). VCF-style: chr4-1816794-A-G. GRCh37 (hg19) VCF-style: chr4-1818521-A-G.
Identifiers: ClinVar variation 2654579 (VCV002654579.24), dbSNP rs2546855749, ClinGen allele CA437959291.
Genomic context (GRCh38, chr4:1,816,794, plus strand): 5'-GCATGCCGTTGGCCGGGGCCAGCTTGCCAGCCTGCTGGTCCATCTCCAGCTGCGAGATCA[A>G]GCCATCGATCTGCCCGATCATTTGCTGCACCCTTTTTGTCAATCTCTTGCTGGCTTTAGA-3'
Protein context (NP_036450.1, residues 612-632): VQQMIGQIDG[Leu622=]ISQLEMDQQA